The following is an entry in ClinVar:

ClinVar aggregate classification (germline): Pathogenic (1 of 4 stars; one submission).

Allele frequency attached by ClinVar (database versions not stated): gnomAD exomes 0.00001.

Submission:

Labcorp Genetics (formerly Invitae), Labcorp
Classification: Pathogenic. Last evaluated: 2023-08-30. Review status: criteria provided, single submitter. Criteria: Invitae Variant Classification Sherloc (09022015). Collection method: clinical testing. Allele origin: germline.
Comment: For these reasons, this variant has been classified as Pathogenic. ClinVar contains an entry for this variant (Variation ID: 1069983). This variant has not been reported in the literature in individuals affected with ADGRV1-related conditions. This variant is not present in population databases (gnomAD no frequency). This sequence change creates a premature translational stop signal (p.Asp1051Phefs*5) in the ADGRV1 gene. It is expected to result in an absent or disrupted protein product. Loss-of-function variants in ADGRV1 are known to be pathogenic (PMID: 19357117, 22135276, 22147658, 26226137, 30718709, 31047384, 32467589).

Literature cited by the submitters: PubMed 19357117; PubMed 22135276; PubMed 22147658; PubMed 26226137; PubMed 30718709; PubMed 31047384; PubMed 32467589.

NM_032119.4(ADGRV1):c.3141_3142del (p.Asp1051fs)

Gene: ADGRV1 (adhesion G protein-coupled receptor V1; plus strand). Cytogenetic location: 5q14.3.
Variant type: Deletion.
Coding change: c.3141_3142del on transcript NM_032119.4 (MANE Select); coding-DNA positions 3141 to 3142, 2 bases deleted (AA; older notation c.3141_3142delAA).
Protein change: p.Asp1051fs; shifts the reading frame from aspartic acid 1051.
Molecular consequence: frameshift variant. On other transcripts: non-coding transcript variant (1).
Genome position (GRCh38, 1-based): chr5:90,647,616-90,647,617, AA deleted. VCF-style (leftmost placement, unchanged base first): chr5-90647615-CAA-C. GRCh37 (hg19) VCF-style: chr5-89943432-CAA-C.
Other names: short protein forms D1051fs.
Identifiers: ClinVar variation 1069983 (VCV001069983.7), dbSNP rs1450569413, ClinGen allele CA561259563.